The following is an entry in ClinVar:

NM_001282933.2(ZNF341):c.2532C>T (p.Leu844=)

Genes: ZNF341 (zinc finger protein 341; plus strand), ZNF341-AS1 (ZNF341 antisense RNA 1; minus strand). Cytogenetic location: 20q11.22.
Variant type: single nucleotide variant.
Coding change: c.2532C>T on transcript NM_001282933.2 (MANE Select); coding-DNA position 2532, C replaced by T.
Protein change: p.Leu844=; no amino-acid change (leucine 844 retained).
Molecular consequence: synonymous variant. On other transcripts: non-coding transcript variant (1).
Genome position (GRCh38, 1-based): chr20:33,791,484, C>T. VCF-style: chr20-33791484-C-T. GRCh37 (hg19) VCF-style: chr20-32379290-C-T.
Other names: c.2262C>T, p.Leu754= (NM_001282935.2); c.2511C>T, p.Leu837= (NM_032819.5); c.2532C>T (NM_001282933.1).
Identifiers: ClinVar variation 1589706 (VCV001589706.10), dbSNP rs148919836, ClinGen allele CA9819831.
Genomic context (GRCh38, chr20:33,791,484, plus strand): 5'-GGGCTCCAACCTGGCTCTGGCGGAGCTGCAGGCTGGGGCCGAGGGCCCATGTGCCATGCT[C>T]GCTGTGCCCGTCTACATCCAGGCCTCCGAGTGACGGACCTGAGGTGTCTGTTTCCTGGGC-3'
Protein context (NP_001269862.1, residues 834-854): QAGAEGPCAM[Leu844=]AVPVYIQASE

ClinVar aggregate classification (germline): Likely benign. Review status: criteria provided, single submitter (1 of 4 stars). 2 submissions from 2 submitters: Likely benign (1). 1 of the submissions does not count toward it. Last evaluated 2025-12-02.

Conditions:
ZNF341-related disorder. Also called: ZNF341-related condition.

Allele frequency attached by ClinVar (database versions not stated): gnomAD exomes 0.00009; gnomAD 0.00001; ExAC 0.00007; ESP Exome Variant Server 0.00008.
gnomAD v4.1: 83 of 1,584,284 alleles (0.0052%); highest among the groups gnomAD compares: South Asian, 0.057%; no homozygotes.

Submissions (2):

Labcorp Genetics (formerly Invitae), Labcorp
Classification: Likely benign. Last evaluated: 2025-12-02. Review status: criteria provided, single submitter. Criteria: Invitae Variant Classification Sherloc (09022015). Collection method: clinical testing. Allele origin: germline.

PreventionGenetics, part of Exact Sciences
Classification: Likely benign for ZNF341-related condition. Last evaluated: 2019-07-19. Review status: no assertion criteria provided. Collection method: clinical testing. Allele origin: germline. Not counted in ClinVar's aggregate classification.
Comment: This variant is classified as likely benign based on ACMG/AMP sequence variant interpretation guidelines (Richards et al. 2015 PMID: 25741868, with internal and published modifications).